The following is an entry in ClinVar:

NM_000179.3(MSH6):c.3636G>T (p.Val1212=)

Gene: MSH6 (mutS homolog 6; plus strand). Cytogenetic location: 2p16.3.
Variant type: single nucleotide variant.
Coding change: c.3636G>T on transcript NM_000179.3 (MANE Select); coding-DNA position 3636, G replaced by T.
Protein change: p.Val1212=; no amino-acid change (valine 1212 retained).
Molecular consequence: synonymous variant.
Genome position (GRCh38, 1-based): chr2:47,805,697, G>T. VCF-style: chr2-47805697-G-T. GRCh37 (hg19) VCF-style: chr2-48032836-G-T.
Other names: c.3246G>T, p.Val1082= (NM_001281492.2); c.2730G>T, p.Val910= (NM_001281493.2, NM_001281494.2).
Identifiers: ClinVar variation 455273 (VCV000455273.19), dbSNP rs1363247790, ClinGen allele CA425997305.

ClinVar aggregate classification (germline): Benign/Likely benign. Review status: criteria provided, multiple submitters, no conflicts (2 of 4 stars). 5 submissions from 5 submitters: Benign (1); Likely benign (4). Last evaluated 2025-10-25.

Conditions:
Hereditary nonpolyposis colorectal neoplasms. Identifiers: MedGen C0009405, MeSH D003123.
Hereditary cancer-predisposing syndrome. Also called: Hereditary Cancer Syndrome; Hereditary neoplastic syndrome; Neoplastic Syndromes, Hereditary; Tumor predisposition. Identifiers: Orphanet 140162, MedGen C0027672, MeSH D009386, MONDO:0015356.
Lynch syndrome 5 (LYNCH5). Also called: Hereditary non-polyposis colorectal cancer, type 5; Colorectal cancer, hereditary nonpolyposis, type 5. Identifiers: Orphanet 144, MedGen C1833477, MONDO:0013710, OMIM 614350. Disease mechanism: loss of function.

Allele frequency attached by ClinVar (database versions not stated): TOPMed 0.00001.

Submissions (5):

Labcorp Genetics (formerly Invitae), Labcorp
Classification: Likely benign for Hereditary nonpolyposis colorectal neoplasms. Last evaluated: 2025-10-25. Review status: criteria provided, single submitter. Criteria: Invitae Variant Classification Sherloc (09022015). Collection method: clinical testing. Allele origin: germline.

Myriad Genetics, Inc.
Classification: Benign for Lynch syndrome 5. Last evaluated: 2025-01-07. Review status: criteria provided, single submitter. Criteria: Myriad Autosomal Dominant, Autosomal Recessive and X-Linked Classification Criteria (2023). Collection method: clinical testing. Allele origin: unknown.
Comment: This variant is considered benign. This variant is a silent/synonymous amino acid change and it is not expected to impact splicing.

Color Diagnostics, LLC DBA Color Health
Classification: Likely benign for Hereditary cancer-predisposing syndrome. Last evaluated: 2019-12-04. Review status: criteria provided, single submitter. Criteria: ACMG Guidelines, 2015. Collection method: clinical testing. Allele origin: germline.

Ambry Genetics
Classification: Likely benign for Hereditary cancer-predisposing syndrome. Last evaluated: 2019-09-21. Review status: criteria provided, single submitter. Criteria: Ambry Variant Classification Scheme 2023. Collection method: clinical testing. Allele origin: germline.

Mendelics
Classification: Likely benign for Lynch syndrome 5. Last evaluated: 2019-05-28. Review status: criteria provided, single submitter. Criteria: Mendelics Assertion Criteria 2017. Collection method: clinical testing. Allele origin: unknown.